The following is an entry in ClinVar:

ClinVar aggregate classification (germline): Uncertain significance (1 of 4 stars; one submission).

Conditions:
Arrhythmogenic right ventricular dysplasia 12. Also called: ARRHYTHMOGENIC RIGHT VENTRICULAR DYSPLASIA, FAMILIAL, 12. Identifiers: MedGen C1969081, MONDO:0012684, OMIM 611528.
Naxos disease (NXD). Also called: WOOLLY HAIR, PALMOPLANTAR KERATODERMA, AND CARDIAC ABNORMALITIES; CARDIOMYOPATHY, ARRHYTHMOGENIC RIGHT VENTRICULAR, WITH SKIN, HAIR, AND NAIL ABNORMALITIES; KERATOSIS PALMOPLANTARIS WITH ARRHYTHMOGENIC CARDIOMYOPATHY; MAL DE NAXOS; PALMOPLANTAR KERATODERMA WITH ARRHYTHMOGENIC RIGHT VENTRICULAR CARDIOMYOPATHY AND WOOLLY HAIR. Identifiers: Orphanet 34217, MedGen C1832600, MONDO:0011017, OMIM 601214.

gnomAD v4.1: 1 of 1,604,858 alleles (0.000062%); highest among the groups gnomAD compares: East Asian, 0.0022%; no homozygotes.

Submission:

Labcorp Genetics (formerly Invitae), Labcorp
Classification: Uncertain significance for Arrhythmogenic right ventricular dysplasia 12; Naxos disease. Last evaluated: 2019-05-09. Review status: criteria provided, single submitter. Criteria: Invitae Variant Classification Sherloc (09022015). Collection method: clinical testing. Allele origin: germline.
Comment: This sequence change replaces serine with asparagine at codon 98 of the JUP protein (p.Ser98Asn). The serine residue is moderately conserved and there is a small physicochemical difference between serine and asparagine. In summary, the available evidence is currently insufficient to determine the role of this variant in disease. Therefore, it has been classified as a Variant of Uncertain Significance. Algorithms developed to predict the effect of missense changes on protein structure and function (SIFT, PolyPhen-2, Align-GVGD) all suggest that this variant is likely to be tolerated, but these predictions have not been confirmed by published functional studies and their clinical significance is uncertain. This variant has not been reported in the literature in individuals with JUP-related disease. This variant is not present in population databases (ExAC no frequency).

NM_002230.4(JUP):c.293G>A (p.Ser98Asn)

Gene: JUP (junction plakoglobin; minus strand). Cytogenetic location: 17q21.2.
Variant type: single nucleotide variant.
Coding change: c.293G>A on transcript NM_002230.4 (MANE Select); coding-DNA position 293, G replaced by A.
Protein change: p.Ser98Asn; replaces serine 98 with asparagine.
Molecular consequence: missense variant.
Genome position (GRCh38, 1-based): chr17:41,769,593, C>T on the plus strand (G>A on the coding strand, the complement: JUP is on the minus strand). VCF-style: chr17-41769593-C-T. GRCh37 (hg19) VCF-style: chr17-39925845-C-T.
Other names: c.293G>A, p.Ser98Asn (NM_001352773.2, NM_001352774.2, NM_001352775.2 and 3 more transcripts); short protein forms S98N.
Identifiers: ClinVar variation 655299 (VCV000655299.10), dbSNP rs1555605891, ClinGen allele CA399505612.